The following is an entry in ClinVar:

ClinVar aggregate classification (germline): Uncertain significance (1 of 4 stars; one submission).

Submission:

Labcorp Genetics (formerly Invitae), Labcorp
Classification: Uncertain significance. Last evaluated: 2023-01-01. Review status: criteria provided, single submitter. Criteria: Invitae Variant Classification Sherloc (09022015). Collection method: clinical testing. Allele origin: germline.
Comment: In summary, the available evidence is currently insufficient to determine the role of this variant in disease. Therefore, it has been classified as a Variant of Uncertain Significance. This variant has not been reported in the literature in individuals affected with IFT88-related conditions. This variant is not present in population databases (gnomAD no frequency). This sequence change creates a premature translational stop signal (p.Asn199Ilefs*6) in the IFT88 gene. It is expected to result in an absent or disrupted protein product. However, the current clinical and genetic evidence is not sufficient to establish whether loss-of-function variants in IFT88 cause disease.

NM_006531.5(IFT88):c.569del (p.Asn190fs)

Gene: IFT88 (intraflagellar transport 88; plus strand). Cytogenetic location: 13q12.11.
Variant type: Deletion.
Coding change: c.569del on transcript NM_006531.5 (MANE Select); coding-DNA position 569, one base deleted (A; older notation c.569delA).
Protein change: p.Asn190fs; shifts the reading frame from asparagine 190.
Molecular consequence: frameshift variant. On other transcripts: 5 prime UTR variant (1), non-coding transcript variant (5).
Genome position (GRCh38, 1-based): chr13:20,597,094, A deleted; the last of 4 consecutive A bases (chr13:20,597,091-20,597,094); deleting any one gives the same sequence. VCF-style (leftmost placement, unchanged base first): chr13-20597090-GA-G. GRCh37 (hg19) VCF-style: chr13-21171229-GA-G.
Other names: c.512del, p.Asn171fs (NM_001318491.2, NM_001353573.2, NM_001353574.2 and 1 more transcripts); c.596del, p.Asn199fs (NM_001318493.2, NM_001353565.2, NM_001353566.2 and 6 more transcripts); c.569del, p.Asn190fs (NM_001353568.2, NM_001353571.2, NM_001353572.2 and 1 more transcripts); c.-65del (NM_001353579.2); short protein forms N171fs, N190fs, N199fs.
Identifiers: ClinVar variation 2825762 (VCV002825762.3), dbSNP rs2548103363, ClinGen allele CA2739277482.